The following is an entry in ClinVar:

NM_016373.4(WWOX):c.605_605+3del

Gene: WWOX (WW domain containing oxidoreductase; plus strand). Cytogenetic location: 16q23.1.
Variant type: Microsatellite.
Coding change: c.605_605+3del on transcript NM_016373.4 (MANE Select); coding-DNA position 605 through 3 bases into the intron after coding-DNA position 605, 4 bases deleted (TGTG; older notation c.605_605+3delTGTG).
Molecular consequence: splice donor variant.
Genome position (GRCh38, 1-based): chr16:78,386,948-78,386,951, TGTG deleted; deleting any 4 consecutive bases within chr16:78,386,946-78,386,951 gives the same sequence; the c. name uses the placement nearest the transcript's 3' end. VCF-style (leftmost placement, unchanged base first): chr16-78386945-ATGTG-A. GRCh37 (hg19) VCF-style: chr16-78420842-ATGTG-A.
Other names: c.603_605+1delTGTG (NM_016373.4); c.266_266+3del (NM_001291997.2).
Identifiers: ClinVar variation 1067495 (VCV001067495.10), dbSNP rs767732033, ClinGen allele CA8183348.

ClinVar aggregate classification (germline): Likely pathogenic. Review status: criteria provided, multiple submitters, no conflicts (2 of 4 stars). 3 submissions from 3 submitters: Likely pathogenic (3). Last evaluated 2025-10-23.

Conditions:
Developmental and epileptic encephalopathy, 1 (DEE1). Also called: INFANTILE SPASM SYNDROME, X-LINKED 1; Epileptic encephalopathy, early infantile, 1; X-linked infantile spasms; West's syndrome; Tonic spasms with clustering, arrest of psychomotor development and hypsarrhythmia on EEG; X-Linked Infantile Spasm Syndrome. Identifiers: MedGen C3463992, MONDO:0010632, OMIM 308350. Disease mechanism: loss of function.
Autosomal recessive spinocerebellar ataxia 12. Also called: SPINOCEREBELLAR ATAXIA WITH MENTAL RETARDATION AND EPILEPSY. Identifiers: Orphanet 284282, MedGen C3280452, MONDO:0013687, OMIM 614322.
Developmental and epileptic encephalopathy, 28 (DEE28). Also called: Epileptic encephalopathy, early infantile, 28. Identifiers: Orphanet 442835, MedGen C4015519, MONDO:0014533, OMIM 616211.

Submissions (3):

Labcorp Genetics (formerly Invitae), Labcorp
Classification: Likely pathogenic for Developmental and epileptic encephalopathy, 1; Autosomal recessive spinocerebellar ataxia 12. Last evaluated: 2025-10-23. Review status: criteria provided, single submitter. Criteria: Invitae Variant Classification Sherloc (09022015). Collection method: clinical testing. Allele origin: germline.
Comment: This variant results in the deletion of part of exon 6 of the WWOX gene. It is expected to disrupt RNA splicing. Variants that disrupt the donor or acceptor splice site typically lead to a loss of protein function (PMID: 16199547), and loss-of-function variants in WWOX are known to be pathogenic (PMID: 24456803, 25411445). This variant is present in population databases (rs767732033, gnomAD 0.006%). This variant has been observed in individual(s) with clinical features of WWOX-related conditions (PMID: 37853563). This variant is also known as c.603_605+1delTGTG. Algorithms developed to predict the effect of sequence changes on RNA splicing suggest that this variant may disrupt the consensus splice site. In summary, the currently available evidence indicates that the variant is pathogenic, but additional data are needed to prove that conclusively. Therefore, this variant has been classified as Likely Pathogenic.

Duke University Health System Sequencing Clinic, Duke University Health System
Classification: Likely pathogenic for Developmental and epileptic encephalopathy, 28. Last evaluated: 2023-04-20. Review status: criteria provided, single submitter. Criteria: ACMG Guidelines, 2015. Collection method: research. Allele origin: paternal. Affected: yes.

GeneDx
Classification: Likely pathogenic. Last evaluated: 2022-07-14. Review status: criteria provided, single submitter. Criteria: GeneDx Variant Classification Process June 2021. Collection method: clinical testing. Allele origin: germline. Affected: yes.
Comment: Canonical splice site variant predicted to result in a null allele in a gene for which loss of function is a known mechanism of disease; Not observed at significant frequency in large population cohorts (gnomAD); Has not been previously published as pathogenic or benign to our knowledge

Literature cited by the submitters: PubMed 16199547 (cited by Labcorp Genetics (formerly Invitae), Labcorp); PubMed 24456803 (cited by Labcorp Genetics (formerly Invitae), Labcorp); PubMed 25411445 (cited by Labcorp Genetics (formerly Invitae), Labcorp); PubMed 37853563 (cited by Labcorp Genetics (formerly Invitae), Labcorp).